The following is an entry in ClinVar:

NM_004104.5(FASN):c.1798G>A (p.Val600Ile)

Gene: FASN (fatty acid synthase; minus strand). Cytogenetic location: 17q25.3.
Variant type: single nucleotide variant.
Coding change: c.1798G>A on transcript NM_004104.5 (MANE Select); coding-DNA position 1798, G replaced by A.
Protein change: p.Val600Ile; replaces valine 600 with isoleucine.
Molecular consequence: missense variant.
Genome position (GRCh38, 1-based): chr17:82,090,447, C>T on the plus strand (G>A on the coding strand, the complement: FASN is on the minus strand). VCF-style: chr17-82090447-C-T. GRCh37 (hg19) VCF-style: chr17-80048323-C-T.
Other names: short protein forms V600I.
Identifiers: ClinVar variation 663155 (VCV000663155.9), dbSNP rs137937996, ClinGen allele CA8853024.

ClinVar aggregate classification (germline): Uncertain significance. Review status: criteria provided, multiple submitters, no conflicts (2 of 4 stars). 2 submissions from 2 submitters: Uncertain significance (2). Last evaluated 2025-09-03.

Conditions:
Epileptic encephalopathy. Identifiers: MedGen C0543888, HP:0200134.

Allele frequency attached by ClinVar (database versions not stated): ExAC 0.00002; gnomAD 0.00002 and 0.00003; gnomAD exomes 0.00002 and 0.00003; TOPMed 0.00003; ESP Exome Variant Server 0.00008.
gnomAD v4.1: 42 of 1,605,214 alleles (0.0026%); highest among the groups gnomAD compares: African/African-American, 0.004%; no homozygotes.

Submissions (2):

Labcorp Genetics (formerly Invitae), Labcorp
Classification: Uncertain significance for Epileptic encephalopathy. Last evaluated: 2025-09-03. Review status: criteria provided, single submitter. Criteria: Invitae Variant Classification Sherloc (09022015). Collection method: clinical testing. Allele origin: germline.
Comment: This sequence change replaces valine, which is neutral and non-polar, with isoleucine, which is neutral and non-polar, at codon 600 of the FASN protein (p.Val600Ile). This variant is present in population databases (rs137937996, gnomAD 0.009%). This variant has not been reported in the literature in individuals affected with FASN-related conditions. ClinVar contains an entry for this variant (Variation ID: 663155). An algorithm developed to predict the effect of missense changes on protein structure and function outputs the following: PolyPhen-2: "Benign". The isoleucine amino acid residue is found in multiple mammalian species, which suggests that this missense change does not adversely affect protein function. In summary, the available evidence is currently insufficient to determine the role of this variant in disease. Therefore, it has been classified as a Variant of Uncertain Significance.

Ambry Genetics
Classification: Uncertain significance. Last evaluated: 2024-01-23. Review status: criteria provided, single submitter. Criteria: Ambry Variant Classification Scheme 2023. Collection method: clinical testing. Allele origin: germline.